The following is an entry in ClinVar:

NM_002528.7(NTHL1):c.872C>T (p.Ala291Val)

Gene: NTHL1 (nth like DNA glycosylase 1; minus strand). Cytogenetic location: 16p13.3.
Variant type: single nucleotide variant.
Coding change: c.872C>T on transcript NM_002528.7 (MANE Select); coding-DNA position 872, C replaced by T.
Protein change: p.Ala291Val; replaces alanine 291 with valine.
Molecular consequence: missense variant.
Genome position (GRCh38, 1-based): chr16:2,039,967, G>A on the plus strand (C>T on the coding strand, the complement: NTHL1 is on the minus strand). VCF-style: chr16-2039967-G-A. GRCh37 (hg19) VCF-style: chr16-2089968-G-A.
Other names: c.542C>T, p.Ala181Val (NM_001318194.2); c.701C>T, p.Ala234Val (NM_001318193.2); short protein forms A291V, A181V, A234V.
Identifiers: ClinVar variation 1765278 (VCV001765278.4), dbSNP rs2150937803, ClinGen allele CA394287139.

ClinVar aggregate classification (germline): Uncertain significance (1 of 4 stars; one submission).

Conditions:
Hereditary cancer-predisposing syndrome. Also called: Neoplastic Syndromes, Hereditary; Tumor predisposition; Hereditary Cancer Syndrome; Hereditary neoplastic syndrome. Identifiers: Orphanet 140162, MedGen C0027672, MeSH D009386, MONDO:0015356.

Submission:

Ambry Genetics
Classification: Uncertain significance for Hereditary cancer-predisposing syndrome. Last evaluated: 2024-11-25. Review status: criteria provided, single submitter. Criteria: Ambry Variant Classification Scheme 2023. Collection method: clinical testing. Allele origin: germline.
Comment: The p.A299V variant (also known as c.896C>T), located in coding exon 6 of the NTHL1 gene, results from a C to T substitution at nucleotide position 896. The alanine at codon 299 is replaced by valine, an amino acid with similar properties. This amino acid position is conserved. In addition, this alteration is predicted to be tolerated by in silico analysis. Since supporting evidence is limited at this time, the clinical significance of this alteration remains unclear.